The following is an entry in ClinVar:

ClinVar aggregate classification (germline): Uncertain significance (1 of 4 stars; one submission).

Allele frequency attached by ClinVar (database versions not stated): gnomAD exomes below 0.00001; TOPMed below 0.00001; gnomAD 0.00001.
gnomAD v4.1: 2 of 1,610,736 alleles (0.00012%); highest among the groups gnomAD compares: Non-Finnish European, 0.00017%; no homozygotes.

Submission:

GeneDx
Classification: Uncertain significance. Last evaluated: 2022-11-08. Review status: criteria provided, single submitter. Criteria: GeneDx Variant Classification Process June 2021. Collection method: clinical testing. Allele origin: germline. Affected: yes.
Comment: Not observed at significant frequency in large population cohorts (gnomAD); In silico analysis supports that this missense variant has a deleterious effect on protein structure/function; Has not been previously published as pathogenic or benign to our knowledge

NM_004453.4(ETFDH):c.518T>C (p.Ile173Thr)

Gene: ETFDH (electron transfer flavoprotein dehydrogenase; plus strand). Cytogenetic location: 4q32.1.
Variant type: single nucleotide variant.
Coding change: c.518T>C on transcript NM_004453.4 (MANE Select); coding-DNA position 518, T replaced by C.
Protein change: p.Ile173Thr; replaces isoleucine 173 with threonine.
Molecular consequence: missense variant.
Genome position (GRCh38, 1-based): chr4:158,685,131, T>C. VCF-style: chr4-158685131-T-C. GRCh37 (hg19) VCF-style: chr4-159606283-T-C.
Other names: c.377T>C, p.Ile126Thr (NM_001281737.2); c.335T>C, p.Ile112Thr (NM_001281738.1); short protein forms I112T, I126T, I173T.
Identifiers: ClinVar variation 2501539 (VCV002501539.1), dbSNP rs1446691470, ClinGen allele CA358575388.